The following is an entry in ClinVar:

ClinVar aggregate classification (germline): Uncertain significance. Review status: criteria provided, multiple submitters, no conflicts (2 of 4 stars). 6 submissions from 6 submitters: Uncertain significance (6). Last evaluated 2026-08-06.

Conditions:
Cardiomyopathy, familial hypertrophic 27. Identifiers: MedGen C4748014, MONDO:0054838, OMIM 618052.
Cardiovascular phenotype. Identifiers: MedGen CN230736.
ALPK3-related disorder. Also called: ALPK3-related condition.

Allele frequency attached by ClinVar (database versions not stated): TOPMed 0.00009; gnomAD exomes 0.00011 and 0.00014; gnomAD 0.00021.

Submissions (6):

PreventionGenetics, part of Exact Sciences
Classification: Uncertain significance for ALPK3-related condition. Last evaluated: 2026-08-06. Review status: criteria provided, single submitter. Criteria: ACMG Guidelines, 2015. Collection method: clinical testing. Allele origin: germline.
Comment: The ALPK3 c.686G>A variant is predicted to result in the amino acid substitution p.Gly229Asp. To our knowledge, this variant has not been reported in the literature. This variant is reported in 0.076% of alleles in individuals of European (Non-Finnish) descent in gnomAD. Although we suspect that this variant may be benign, at this time, the clinical significance of this variant is uncertain due to the absence of conclusive functional and genetic evidence.

Labcorp Genetics (formerly Invitae), Labcorp
Classification: Uncertain significance. Last evaluated: 2026-02-01. Review status: criteria provided, single submitter. Criteria: Invitae Variant Classification Sherloc (09022015). Collection method: clinical testing. Allele origin: germline.
Comment: This sequence change replaces glycine, which is neutral and non-polar, with aspartic acid, which is acidic and polar, at codon 229 of the ALPK3 protein (p.Gly229Asp). This variant is present in population databases (no rsID available, gnomAD 0.08%). This variant has not been reported in the literature in individuals affected with ALPK3-related conditions. ClinVar contains an entry for this variant (Variation ID: 424221). An algorithm developed to predict the effect of missense changes on protein structure and function (PolyPhen-2) suggests that this variant is likely to be disruptive. In summary, the available evidence is currently insufficient to determine the role of this variant in disease. Therefore, it has been classified as a Variant of Uncertain Significance.

Ambry Genetics
Classification: Uncertain significance for Cardiovascular phenotype. Last evaluated: 2025-01-10. Review status: criteria provided, single submitter. Criteria: Ambry Variant Classification Scheme 2023. Collection method: clinical testing. Allele origin: germline.
Comment: The p.G229D variant (also known as c.686G>A), located in coding exon 1 of the ALPK3 gene, results from a G to A substitution at nucleotide position 686. The glycine at codon 229 is replaced by aspartic acid, an amino acid with similar properties. This amino acid position is well conserved in available vertebrate species. In addition, this alteration is predicted to be tolerated by in silico analysis. Since supporting evidence is limited at this time, the clinical significance of this alteration remains unclear.

Blueprint Genetics
Classification: Uncertain significance. Last evaluated: 2024-08-22. Review status: criteria provided, single submitter. Criteria: ACMG Guidelines, 2015. Collection method: clinical testing. Allele origin: germline.

GeneDx
Classification: Uncertain significance. Last evaluated: 2024-07-09. Review status: criteria provided, single submitter. Criteria: GeneDx Variant Classification Process June 2021. Collection method: clinical testing. Allele origin: germline. Affected: yes.
Comment: Has not been previously published as pathogenic or benign to our knowledge; In silico analysis supports that this missense variant has a deleterious effect on protein structure/function

ARUP Laboratories, Molecular Genetics and Genomics, ARUP Laboratories
Classification: Uncertain significance for Cardiomyopathy, familial hypertrophic 27. Last evaluated: 2024-02-29. Review status: criteria provided, single submitter. Criteria: ARUP Molecular Germline Variant Investigation Process 2024. Collection method: clinical testing. Allele origin: germline.
Comment: The ALPK3 c.80G>A; p.Gly27Asp variant (rs931782668), to our knowledge, is not reported in the medical literature but is reported in ClinVar (Variation ID: 424221). This variant is found in the general population with an overall allele frequency of 0.03% (40/122,978 alleles) in the Genome Aggregation Database (v2.1.1). Computational analyses are uncertain whether this variant is neutral or deleterious (REVEL: 0.251). Due to limited information, the clinical significance of this variant is uncertain at this time.

NM_020778.5(ALPK3):c.80G>A (p.Gly27Asp)

Gene: ALPK3 (alpha kinase 3; plus strand). Cytogenetic location: 15q25.3.
Variant type: single nucleotide variant.
Coding change: c.80G>A on transcript NM_020778.5 (MANE Select); coding-DNA position 80, G replaced by A.
Protein change: p.Gly27Asp; replaces glycine 27 with aspartic acid.
Molecular consequence: missense variant.
Genome position (GRCh38, 1-based): chr15:84,817,532, G>A. VCF-style: chr15-84817532-G-A. GRCh37 (hg19) VCF-style: chr15-85360763-G-A.
Other names: short protein forms G229D, G27D.
Identifiers: ClinVar variation 424221 (VCV000424221.17), dbSNP rs931782668, ClinGen allele CA16620012.